The following is an entry in ClinVar:

NM_182914.3(SYNE2):c.14279A>G (p.His4760Arg)

Gene: SYNE2 (spectrin repeat containing nuclear envelope protein 2; plus strand). Cytogenetic location: 14q23.2.
Variant type: single nucleotide variant.
Coding change: c.14279A>G on transcript NM_182914.3 (MANE Select); coding-DNA position 14279, A replaced by G.
Protein change: p.His4760Arg; replaces histidine 4760 with arginine.
Molecular consequence: missense variant.
Genome position (GRCh38, 1-based): chr14:64,130,187, A>G. VCF-style: chr14-64130187-A-G. GRCh37 (hg19) VCF-style: chr14-64596905-A-G.
Other names: c.14279A>G, p.His4760Arg (NM_015180.6); short protein forms H4760R.
Identifiers: ClinVar variation 934865 (VCV000934865.6), dbSNP rs1006840235, ClinGen allele CA261853202.

ClinVar aggregate classification (germline): Uncertain significance. Review status: criteria provided, multiple submitters, no conflicts (2 of 4 stars). 2 submissions from 2 submitters: Uncertain significance (2). Last evaluated 2025-09-11.

Conditions:
Emery-Dreifuss muscular dystrophy 5, autosomal dominant (EDMD5). Also called: EMERY-DREIFUSS MUSCULAR DYSTROPHY 5. Identifiers: Orphanet 261, MedGen C2751805, MONDO:0013072, OMIM 612999.

Allele frequency attached by ClinVar (database versions not stated): TOPMed below 0.00001; gnomAD exomes 0.00001.
gnomAD v4.1: 8 of 1,614,114 alleles (0.0005%); highest among the groups gnomAD compares: East Asian, 0.018%; no homozygotes.

Submissions (2):

Ambry Genetics
Classification: Uncertain significance. Last evaluated: 2025-09-11. Review status: criteria provided, single submitter. Criteria: Ambry Variant Classification Scheme 2023. Collection method: clinical testing. Allele origin: germline.

Labcorp Genetics (formerly Invitae), Labcorp
Classification: Uncertain significance for Emery-Dreifuss muscular dystrophy 5, autosomal dominant. Last evaluated: 2022-04-17. Review status: criteria provided, single submitter. Criteria: Invitae Variant Classification Sherloc (09022015). Collection method: clinical testing. Allele origin: germline.
Comment: This variant is not present in population databases (gnomAD no frequency). This sequence change replaces histidine, which is basic and polar, with arginine, which is basic and polar, at codon 4760 of the SYNE2 protein (p.His4760Arg). This variant has not been reported in the literature in individuals affected with SYNE2-related conditions. ClinVar contains an entry for this variant (Variation ID: 934865). Algorithms developed to predict the effect of missense changes on protein structure and function output the following: SIFT: "Tolerated"; PolyPhen-2: "Benign"; Align-GVGD: "Class C0". The arginine amino acid residue is found in multiple mammalian species, which suggests that this missense change does not adversely affect protein function. In summary, the available evidence is currently insufficient to determine the role of this variant in disease. Therefore, it has been classified as a Variant of Uncertain Significance.